The following is an entry in ClinVar:

NM_003665.4(FCN3):c.91+9dup

Gene: FCN3 (ficolin 3; minus strand). Cytogenetic location: 1p36.11.
Variant type: Duplication.
Coding change: c.91+9dup on transcript NM_003665.4 (MANE Select); 9 bases into the intron after coding-DNA position 91, one base duplicated (C; older notation c.91+9dupC).
Molecular consequence: intron variant.
Genome position (GRCh38, 1-based): chr1:27,374,719, G duplicated on the plus strand (C on the coding strand, the reverse complement: FCN3 is on the minus strand); the first of 2 consecutive G bases (chr1:27,374,719-27,374,720); duplicating either gives the same sequence. VCF-style (leftmost placement, unchanged base first): chr1-27374718-A-AG. GRCh37 (hg19) VCF-style: chr1-27701209-A-AG.
Other names: c.91+9dup (NM_173452.3).
Identifiers: ClinVar variation 3040329 (VCV003040329.2), dbSNP rs2522436682, ClinGen allele CA2574281433.
Genomic context (GRCh38, chr1:27,374,718, plus strand): 5'-GCCTTGGTGGGGGGACACCCAGCGAGGGAATGAGGAGTGGGTTGGTGAGGAGGGCACCCT[A>AG]GGTGCCCACCTGGGCAGCTGGGGTGTTCCTGGGTCTTCAGGCAGGCAGGCCCCCCAAGCA-3'

ClinVar aggregate classification (germline): Likely benign (0 of 4 stars; one submission).

Conditions:
FCN3-related disorder. Also called: FCN3-related condition.

Submission:

PreventionGenetics, part of Exact Sciences
Classification: Likely benign for FCN3-related condition. Last evaluated: 2020-03-23. Review status: no assertion criteria provided. Collection method: clinical testing. Allele origin: germline.
Comment: This variant is classified as likely benign based on ACMG/AMP sequence variant interpretation guidelines (Richards et al. 2015 PMID: 25741868, with internal and published modifications).